The following is an entry in ClinVar:

NM_024818.6(UBA5):c.1081G>A (p.Val361Ile)

Genes: NPHP3-ACAD11 (NPHP3-ACAD11 readthrough (NMD candidate); minus strand), UBA5 (ubiquitin like modifier activating enzyme 5; plus strand). Cytogenetic location: 3q22.1.
Variant type: single nucleotide variant.
Coding change: c.1081G>A on transcript NM_024818.6 (MANE Select); coding-DNA position 1081, G replaced by A.
Protein change: p.Val361Ile; replaces valine 361 with isoleucine.
Molecular consequence: missense variant.
Genome position (GRCh38, 1-based): chr3:132,675,873, G>A. VCF-style: chr3-132675873-G-A. GRCh37 (hg19) VCF-style: chr3-132394717-G-A.
Other names: c.913G>A, p.Val305Ile (NM_001320210.2, NM_198329.4); c.811G>A, p.Val271Ile (NM_001321238.2); c.745G>A, p.Val249Ile (NM_001321239.1); short protein forms V361I, V271I, V305I, V249I.
Identifiers: ClinVar variation 2101218 (VCV002101218.4), dbSNP rs770821132, ClinGen allele CA2621534.

ClinVar aggregate classification (germline): Uncertain significance (1 of 4 stars; one submission).

Allele frequency attached by ClinVar (database versions not stated): ExAC 0.00003.

Submission:

Labcorp Genetics (formerly Invitae), Labcorp
Classification: Uncertain significance. Last evaluated: 2022-08-23. Review status: criteria provided, single submitter. Criteria: Invitae Variant Classification Sherloc (09022015). Collection method: clinical testing. Allele origin: germline.
Comment: This sequence change replaces valine, which is neutral and non-polar, with isoleucine, which is neutral and non-polar, at codon 361 of the UBA5 protein (p.Val361Ile). This variant is present in population databases (rs770821132, gnomAD 0.004%). This variant has not been reported in the literature in individuals affected with UBA5-related conditions. Algorithms developed to predict the effect of missense changes on protein structure and function output the following: SIFT: "Not Available"; PolyPhen-2: "Benign"; Align-GVGD: "Not Available". The isoleucine amino acid residue is found in multiple mammalian species, which suggests that this missense change does not adversely affect protein function. In summary, the available evidence is currently insufficient to determine the role of this variant in disease. Therefore, it has been classified as a Variant of Uncertain Significance.